The following is an entry in ClinVar:

NM_000701.8(ATP1A1):c.2706C>T (p.Tyr902=)

Genes: ATP1A1 (ATPase Na+/K+ transporting subunit alpha 1; plus strand), ATP1A1-AS1 (ATP1A1 antisense RNA 1; minus strand). Cytogenetic location: 1p13.1.
Variant type: single nucleotide variant.
Coding change: c.2706C>T on transcript NM_000701.8 (MANE Select); coding-DNA position 2706, C replaced by T.
Protein change: p.Tyr902=; no amino-acid change (tyrosine 902 retained).
Molecular consequence: synonymous variant. On other transcripts: non-coding transcript variant (2).
Genome position (GRCh38, 1-based): chr1:116,400,994, C>T. VCF-style: chr1-116400994-C-T. GRCh37 (hg19) VCF-style: chr1-116943616-C-T.
Other names: p.Tyr902=; c.2706C>T, p.Tyr902= (NM_001160233.2); c.2613C>T, p.Tyr871= (NM_001160234.2).
Identifiers: ClinVar variation 1600350 (VCV001600350.35), dbSNP rs150831106, ClinGen allele CA1025605.
Genomic context (GRCh38, chr1:116,400,994, plus strand): 5'-CCTGTTGGGCCTCCGAGTGGACTGGGATGACCGCTGGATCAACGATGTGGAAGACAGCTA[C>T]GGGCAGCAGTGGGTGAGTGGGCACCTCTGACCTGACCAGTGTCAGAGCTCCTCAAGCCCC-3'
Protein context (NP_000692.2, residues 892-912): DRWINDVEDS[Tyr902=]GQQWTYEQRK

ClinVar aggregate classification (germline): Benign/Likely benign. Review status: criteria provided, multiple submitters, no conflicts (2 of 4 stars). 5 submissions from 5 submitters: Benign (3); Likely benign (2). Last evaluated 2026-09-01.

Allele frequency attached by ClinVar (database versions not stated): gnomAD exomes 0.00041 and 0.00109; ExAC 0.00123; ESP Exome Variant Server 0.00361; gnomAD 0.00366 and 0.00399; 1000 Genomes Project 30x 0.00406; 1000 Genomes Project 0.00419; TOPMed 0.00429.
gnomAD v4.1: 1,193 of 1,614,176 alleles (0.074%); highest among the groups gnomAD compares: African/African-American, 1.2%; 8 homozygotes.

Submissions (5):

CeGaT Center for Human Genetics Tuebingen
Classification: Likely benign. Last evaluated: 2026-09-01. Review status: criteria provided, single submitter. Criteria: CeGaT Center For Human Genetics Tuebingen Variant Classification Criteria Version 2. Collection method: clinical testing. Allele origin: germline. Affected: yes. Observed: 3 variant alleles.
Comment: ATP1A1: BP4, BP7, BS1; ATP1A1-AS1: BS1

Labcorp Genetics (formerly Invitae), Labcorp
Classification: Benign. Last evaluated: 2026-02-02. Review status: criteria provided, single submitter. Criteria: Invitae Variant Classification Sherloc (09022015). Collection method: clinical testing. Allele origin: germline.

Mayo Clinic Laboratories, Mayo Clinic
Classification: Benign. Last evaluated: 2025-01-27. Review status: criteria provided, single submitter. Criteria: ACMG Guidelines, 2015. Collection method: clinical testing. Allele origin: germline. Observed: 3 variant alleles.
Comment: BA1, BP4, BP7

Blueprint Genetics
Classification: Likely benign. Last evaluated: 2024-11-07. Review status: criteria provided, single submitter. Criteria: ACMG Guidelines, 2015. Collection method: clinical testing. Allele origin: germline.

Breakthrough Genomics
Classification: Benign. Review status: criteria provided, single submitter. Criteria: ACMG Guidelines, 2015. Collection method: not provided. Allele origin: germline. Inheritance: Autosomal dominant inheritance. Affected: yes.